The following is an entry in ClinVar:

ClinVar aggregate classification (germline): Likely benign. Review status: criteria provided, multiple submitters, no conflicts (2 of 4 stars). 2 submissions from 2 submitters: Likely benign (2). Last evaluated 2025-10-24.

Conditions:
Charcot-Marie-Tooth disease axonal type 2C (HMSN2C). Also called: CHARCOT-MARIE-TOOTH DISEASE, AXONAL, AUTOSOMAL DOMINANT, TYPE 2C; Charcot-Marie-Tooth Neuropathy Type 2C; Charcot-Marie-Tooth Disease Type 2, TRPV4-Related (CMT2C). Identifiers: Orphanet 99937, MedGen C1853710, MONDO:0011633, OMIM 606071.

Allele frequency attached by ClinVar (database versions not stated): gnomAD exomes 0.00001; TOPMed 0.00002; ExAC 0.00002.
gnomAD v4.1: 18 of 1,612,232 alleles (0.0011%); highest among the groups gnomAD compares: South Asian, 0.0044%; no homozygotes.

Submissions (2):

Labcorp Genetics (formerly Invitae), Labcorp
Classification: Likely benign for Charcot-Marie-Tooth disease axonal type 2C. Last evaluated: 2025-10-24. Review status: criteria provided, single submitter. Criteria: Invitae Variant Classification Sherloc (09022015). Collection method: clinical testing. Allele origin: germline.

GeneDx
Classification: Likely benign. Last evaluated: 2017-05-02. Review status: criteria provided, single submitter. Criteria: GeneDx Variant Classification (06012015). Collection method: clinical testing. Allele origin: germline. Affected: yes.
Comment: This variant is considered likely benign or benign based on one or more of the following criteria: it is a conservative change, it occurs at a poorly conserved position in the protein, it is predicted to be benign by multiple in silico algorithms, and/or has population frequency not consistent with disease.

NM_021625.5(TRPV4):c.713-16C>T

Gene: TRPV4 (transient receptor potential cation channel subfamily V member 4; minus strand). Cytogenetic location: 12q24.11.
Variant type: single nucleotide variant.
Coding change: c.713-16C>T on transcript NM_021625.5 (MANE Select); 16 bases into the intron before coding-DNA position 713, C replaced by T.
Molecular consequence: intron variant.
Genome position (GRCh38, 1-based): chr12:109,800,774, G>A on the plus strand (C>T on the coding strand, the complement: TRPV4 is on the minus strand). VCF-style: chr12-109800774-G-A. GRCh37 (hg19) VCF-style: chr12-110238579-G-A.
Other names: c.713-1862C>T (NM_001177433.1, NM_001177428.1); c.713-16C>T (NM_147204.2); c.611-16C>T (NM_001177431.1).
Identifiers: ClinVar variation 509251 (VCV000509251.5), dbSNP rs777854437, ClinGen allele CA6780448.